The following is an entry in ClinVar:

NM_000426.4(LAMA2):c.7126_7127insA (p.Leu2376fs)

Gene: LAMA2 (laminin subunit alpha 2; plus strand). Cytogenetic location: 6q22.33.
Variant type: Insertion.
Coding change: c.7126_7127insA on transcript NM_000426.4 (MANE Select); coding-DNA positions 7126 to 7127, A inserted.
Protein change: p.Leu2376fs; shifts the reading frame from leucine 2376.
Molecular consequence: frameshift variant.
Genome position: GRCh38 VCF-style: chr6-129464423-C-CA. GRCh37 (hg19) VCF-style: chr6-129785568-C-CA.
Other names: c.7126_7127insA, p.Leu2376fs (NM_001079823.2); short protein forms L2376fs.
Identifiers: ClinVar variation 1726053 (VCV001726053.3), dbSNP rs2533441661, ClinGen allele CA2580074983.

ClinVar aggregate classification (germline): Likely pathogenic (1 of 4 stars; one submission).

Conditions:
LAMA2-related muscular dystrophy (LAMA2-RD). Also called: Laminin alpha 2-related dystrophy. Identifiers: MedGen C5679788, MONDO:0100228.

Submission:

Myriad Genetics, Inc.
Classification: Likely pathogenic for LAMA2-related muscular dystrophy. Last evaluated: 2022-05-14. Review status: criteria provided, single submitter. Criteria: Myriad Autosomal Dominant, Autosomal Recessive and X-Linked Classification Criteria (2023). Collection method: clinical testing. Allele origin: unknown.
Comment: NM_000426.3(LAMA2):c.7126_7127insA(L2376Hfs*20) is expected to be pathogenic in the context of muscular dystrophy, LAMA2-related. This variant is predicted to lead to an abnormal or absent protein product due to the creation of a premature termination codon in LAMA2, a gene where loss-of-function variants are known to be pathogenic. Please note: this variant was assessed in the context of healthy population screening.